The following is an entry in ClinVar:

NM_002834.5(PTPN11):c.1751G>A (p.Gly584Asp)

Gene: PTPN11 (protein tyrosine phosphatase non-receptor type 11; plus strand). Cytogenetic location: 12q24.13.
Variant type: single nucleotide variant.
Coding change: c.1751G>A on transcript NM_002834.5 (MANE Select); coding-DNA position 1751, G replaced by A.
Protein change: p.Gly584Asp; replaces glycine 584 with aspartic acid.
Molecular consequence: missense variant.
Genome position (GRCh38, 1-based): chr12:112,504,733, G>A. VCF-style: chr12-112504733-G-A. GRCh37 (hg19) VCF-style: chr12-112942537-G-A.
Other names: c.1763G>A, p.Gly588Asp (NM_001330437.2); c.1748G>A, p.Gly583Asp (NM_001374625.1); short protein forms G583D, G584D, G588D.
Identifiers: ClinVar variation 1305595 (VCV001305595.2), dbSNP rs2135930871, ClinGen allele CA386784591.

ClinVar aggregate classification (germline): Uncertain significance (1 of 4 stars; one submission).

Submission:

GeneDx
Classification: Uncertain significance. Last evaluated: 2019-05-02. Review status: criteria provided, single submitter. Criteria: GeneDx Variant Classification Process June 2021. Collection method: clinical testing. Allele origin: germline. Affected: yes.
Comment: Has not been previously published as pathogenic or benign to our knowledge; Not observed in large population cohorts (Lek et al., 2016); Missense variants in this gene are commonly considered pathogenic (Stenson et al., 2014); In silico analysis, which includes protein predictors and evolutionary conservation, supports that this variant does not alter protein structure/function